The following is an entry in ClinVar:

ClinVar aggregate classification (germline): Benign/Likely benign. Review status: criteria provided, multiple submitters, no conflicts (2 of 4 stars). 3 submissions from 3 submitters: Benign (1); Likely benign (2). Last evaluated 2026-08-01.

gnomAD v4.1: 4,549 of 1,612,908 alleles (0.28%); highest among the groups gnomAD compares: Non-Finnish European, 0.34%; 7 homozygotes.

Submissions (3):

CeGaT Center for Human Genetics Tuebingen
Classification: Likely benign. Last evaluated: 2026-08-01. Review status: criteria provided, single submitter. Criteria: CeGaT Center For Human Genetics Tuebingen Variant Classification Criteria Version 2. Collection method: clinical testing. Allele origin: germline. Affected: yes. Observed: 3 variant alleles.
Comment: HCK: BP4, BP7

Women's Health and Genetics/Laboratory Corporation of America, LabCorp
Classification: Benign. Last evaluated: 2025-03-17. Review status: criteria provided, single submitter. Criteria: LabCorp Variant Classification Summary - May 2015. Collection method: clinical testing. Allele origin: germline.

Blueprint Genetics
Classification: Likely benign. Last evaluated: 2024-11-27. Review status: criteria provided, single submitter. Criteria: ACMG Guidelines, 2015. Collection method: clinical testing. Allele origin: germline.

NM_002110.5(HCK):c.693C>T (p.Asp231=)

Gene: HCK (HCK proto-oncogene, Src family tyrosine kinase; plus strand). Cytogenetic location: 20q11.21.
Variant type: single nucleotide variant.
Coding change: c.693C>T on transcript NM_002110.5 (MANE Select); coding-DNA position 693, C replaced by T.
Protein change: p.Asp231=; no amino-acid change (aspartic acid 231 retained).
Molecular consequence: synonymous variant.
Genome position (GRCh38, 1-based): chr20:32,084,401, C>T. VCF-style: chr20-32084401-C-T. GRCh37 (hg19) VCF-style: chr20-30672204-C-T.
Other names: c.630C>T, p.Asp210= (NM_001172129.3, NM_001172133.3); c.690C>T, p.Asp230= (NM_001172130.3); c.627C>T, p.Asp209= (NM_001172131.3); c.633C>T, p.Asp211= (NM_001172132.3).
Identifiers: ClinVar variation 3895592 (VCV003895592.10).
Genomic context (GRCh38, chr20:32,084,401, plus strand): 5'-TGGCTGGCTCGGTGCTTGTTGCTCTCAATTGACCAGGGACTCTGTTCCAGAGGGGAACGA[C>T]GGGCTCTGCCAGAAACTGTCGGTGCCCTGCATGTCTTCCAAGCCCCAGAAGCCTTGGGAG-3'
Protein context (NP_002101.2, residues 221-241): ELVDHYKKGN[Asp231=]GLCQKLSVPC